The following is an entry in ClinVar:

Conditions:
Breast-ovarian cancer, familial, susceptibility to, 1 (BROVCA1). Also called: BRCA1 Hereditary Breast and Ovarian Cancer; OVARIAN CANCER, SUSCEPTIBILITY TO. Identifiers: Orphanet 145, MedGen C2676676, MONDO:0011450, OMIM 604370. Disease mechanism: loss of function.

Submission:

Brotman Baty Institute, University of Washington
No classification provided (evidence only). Condition: Breast-ovarian cancer, familial 1. Review status: no classification provided. Collection method: in vitro. Allele origin: not applicable. Functional consequence: functionally_normal.
ClinVar note: "not provided" was previously submitted as the classification for the variant. However, the classification appeared to be based only on an observation of functional data so it was converted to no classification on 2025-07-30.

NM_007294.4(BRCA1):c.208A>C (p.Lys70Gln)

Gene: BRCA1 (BRCA1 DNA repair associated; minus strand). Cytogenetic location: 17q21.31.
Variant type: single nucleotide variant.
Coding change: c.208A>C on transcript NM_007294.4 (MANE Select); coding-DNA position 208, A replaced by C.
Protein change: p.Lys70Gln; replaces lysine 70 with glutamine.
Molecular consequence: missense variant.
Genome position (GRCh38, 1-based): chr17:43,106,460, T>G on the plus strand (A>C on the coding strand, the complement: BRCA1 is on the minus strand). VCF-style: chr17-43106460-T-G. GRCh37 (hg19) VCF-style: chr17-41258477-T-G.
Other names: c.208A>C, p.Lys70Gln (NM_001408440.1, NM_001408441.1, NM_001408442.1 and 168 more transcripts); c.67A>C, p.Lys23Gln (NM_001408452.1, NM_001408453.1, NM_001408454.1 and 99 more transcripts); short protein forms K70Q, K23Q.
Identifiers: ClinVar variation 868785 (VCV000868785.3), dbSNP rs2054770550, ClinGen allele CA10601754.